The following is an entry in ClinVar:

ClinVar aggregate classification (germline): Uncertain significance (1 of 4 stars; one submission).

Conditions:
Atrial fibrillation, familial, 6 (ATFB6). Identifiers: MedGen C2677294, MONDO:0012816, OMIM 612201.

Submission:

Labcorp Genetics (formerly Invitae), Labcorp
Classification: Uncertain significance for Atrial fibrillation, familial, 6. Last evaluated: 2025-05-22. Review status: criteria provided, single submitter. Criteria: Invitae Variant Classification Sherloc (09022015). Collection method: clinical testing. Allele origin: germline.
Comment: This sequence change disrupts the translational stop signal of the NPPA mRNA. It is expected to extend the length of the NPPA protein by 2 additional amino acid residues. The frequency data for this variant in the population databases is considered unreliable, as metrics indicate poor data quality at this position in the gnomAD database. This variant has not been reported in the literature in individuals affected with NPPA-related conditions. ClinVar contains an entry for this variant (Variation ID: 1460707). Experimental studies and prediction algorithms are not available or were not evaluated, and the functional significance of this variant is currently unknown. In summary, the available evidence is currently insufficient to determine the role of this variant in disease. Therefore, it has been classified as a Variant of Uncertain Significance.

NM_006172.4(NPPA):c.454_455inv (p.Ter152Gln)

Genes: NPPA (natriuretic peptide A; minus strand), NPPA-AS1 (NPPA antisense RNA 1; plus strand). Cytogenetic location: 1p36.22.
Variant type: Inversion.
Coding change: c.454_455inv on transcript NM_006172.4 (MANE Select).
Protein change: p.Ter152Gln.
Molecular consequence: stop lost.
Genome position: GRCh38 VCF-style: chr1-11846010-CA-TG. GRCh37 (hg19) VCF-style: chr1-11906067-CA-TG.
Identifiers: ClinVar variation 1460707 (VCV001460707.6), ClinGen allele CA2573130538.
Genomic context (GRCh38, chr1:11,846,010, plus strand): 5'-GGAGCCTCTTGCAGTCTGTCCCTAGGCCCAGCCCTGCTTGTCCTCCCTGGCTGTTATCTT[CA>TG]GTACTGCAAAGAGAACACAGACATATCTGGCTTGGTGACCTGGCTGTCCTGGAAAAGTCA-3'